The following is an entry in ClinVar:

NM_001146197.3(LRTM3):c.2706A>G (p.Lys902=)

Gene: LRTM3 (leucine rich repeat transmembrane protein 3; minus strand). Cytogenetic location: 13q33.1.
Variant type: single nucleotide variant.
Coding change: c.2706A>G on transcript NM_001146197.3 (MANE Select); coding-DNA position 2706, A replaced by G.
Protein change: p.Lys902=; no amino-acid change (lysine 902 retained).
Molecular consequence: synonymous variant.
Genome position (GRCh38, 1-based): chr13:102,747,991, T>C on the plus strand (A>G on the coding strand, the complement: LRTM3 is on the minus strand). VCF-style: chr13-102747991-T-C. GRCh37 (hg19) VCF-style: chr13-103400341-T-C.
Identifiers: ClinVar variation 2643915 (VCV002643915.24), dbSNP rs748599831, ClinGen allele CA7039776.

ClinVar aggregate classification (germline): Likely benign (1 of 4 stars; one submission).

Allele frequency attached by ClinVar (database versions not stated): gnomAD exomes 0.00029; TOPMed 0.00031; gnomAD 0.00036; ExAC 0.00111.
gnomAD v4.1: 474 of 1,550,984 alleles (0.031%); highest among the groups gnomAD compares: Non-Finnish European, 0.023%; no homozygotes.

Submission:

CeGaT Center for Human Genetics Tuebingen
Classification: Likely benign. Last evaluated: 2022-10-01. Review status: criteria provided, single submitter. Criteria: CeGaT Center For Human Genetics Tuebingen Variant Classification Criteria Version 2. Collection method: clinical testing. Allele origin: germline. Affected: yes. Observed: 3 variant alleles.
Comment: LRTM3: BP4, BP7